The following is an entry in ClinVar:

NM_021096.4(CACNA1I):c.3155_3163del (p.His1052_Arg1054del)

Gene: CACNA1I (calcium voltage-gated channel subunit alpha1 I; plus strand). Cytogenetic location: 22q13.1.
Variant type: Deletion.
Coding change: c.3155_3163del on transcript NM_021096.4 (MANE Select); coding-DNA positions 3155 to 3163, 9 bases deleted (ACCACCGCC; older notation c.3155_3163delACCACCGCC).
Protein change: p.His1052_Arg1054del.
Genome position (GRCh38, 1-based): chr22:39,662,218-39,662,226, ACCACCGCC deleted; deleting any 9 consecutive bases within chr22:39,662,210-39,662,226 gives the same sequence; the c. name uses the placement nearest the transcript's 3' end. VCF-style (leftmost placement, unchanged base first): chr22-39662209-GCCACCGCCA-G. GRCh37 (hg19) VCF-style: chr22-40058214-GCCACCGCCA-G.
Other names: c.3050_3058del, p.His1017_Arg1019del (NM_001003406.2).
Identifiers: ClinVar variation 3373210 (VCV003373210.1).

ClinVar aggregate classification (germline): Uncertain significance (1 of 4 stars; one submission).

Submission:

GeneDx
Classification: Uncertain significance. Last evaluated: 2024-04-28. Review status: criteria provided, single submitter. Criteria: GeneDx Variant Classification Process June 2021. Collection method: clinical testing. Allele origin: germline. Affected: yes.
Comment: Not observed at significant frequency in large population cohorts (gnomAD); In-frame deletion of 3 amino acids in a non-repeat region; In silico analysis indicates that this variant does not alter protein structure/function; Has not been previously published as pathogenic or benign to our knowledge